The following is an entry in ClinVar:

NM_005188.4(CBL):c.1078C>G (p.His360Asp)

Gene: CBL (Cbl proto-oncogene; plus strand). Cytogenetic location: 11q23.3.
Variant type: single nucleotide variant.
Coding change: c.1078C>G on transcript NM_005188.4 (MANE Select); coding-DNA position 1078, C replaced by G.
Protein change: p.His360Asp; replaces histidine 360 with aspartic acid.
Molecular consequence: missense variant.
Genome position (GRCh38, 1-based): chr11:119,277,827, C>G. VCF-style: chr11-119277827-C-G. GRCh37 (hg19) VCF-style: chr11-119148537-C-G.
Other names: short protein forms H360D.
Identifiers: ClinVar variation 4825169 (VCV004825169.1).

ClinVar aggregate classification (germline): Uncertain significance (1 of 4 stars; one submission).

Conditions:
Cardiovascular phenotype. Identifiers: MedGen CN230736.

Submission:

Ambry Genetics
Classification: Uncertain significance for Cardiovascular phenotype. Last evaluated: 2026-01-20. Review status: criteria provided, single submitter. Criteria: Ambry Variant Classification Scheme 2023. Collection method: clinical testing. Allele origin: germline.
Comment: The p.H360D variant (also known as c.1078C>G), located in coding exon 7 of the CBL gene, results from a C to G substitution at nucleotide position 1078. The histidine at codon 360 is replaced by aspartic acid, an amino acid with similar properties. This amino acid position is conserved. In addition, this alteration is predicted to be deleterious by in silico analysis. Based on the available evidence, the clinical significance of this variant remains unclear.